The following is an entry in ClinVar:

ClinVar aggregate classification (germline): Pathogenic (1 of 4 stars; one submission).

Conditions:
Spondylocostal dysostosis 1, autosomal recessive (SCDO1). Also called: DLL3-Related Spondylocostal Dysostosis, Autosomal Recessive. Identifiers: Orphanet 2311, MedGen CN032975, MONDO:0020692, OMIM 277300.

Submission:

3billion
Classification: Pathogenic for Spondylocostal dysostosis 1, autosomal recessive. Last evaluated: 2022-09-01. Review status: criteria provided, single submitter. Criteria: ACMG Guidelines, 2015. Collection method: clinical testing. Allele origin: germline. Affected: yes. Observed: 1 homozygote.
Comment: The variant is not observed in the gnomAD v2.1.1 dataset. It is predicted to result in a loss or disruption of normal protein function through nonsense-mediated decay (NMD) or protein truncation. Multiple pathogenic variants are reported downstream of the variant. Therefore, this homozygous variant is classified as Pathogenic according to the recommendation of ACMG/AMP guideline.

NM_203486.3(DLL3):c.1339_1340insT (p.His447fs)

Gene: DLL3 (delta like canonical Notch ligand 3; plus strand). Cytogenetic location: 19q13.2.
Variant type: Insertion.
Coding change: c.1339_1340insT on transcript NM_203486.3 (MANE Select); coding-DNA positions 1339 to 1340, T inserted.
Protein change: p.His447fs; shifts the reading frame from histidine 447.
Molecular consequence: frameshift variant.
Genome position: GRCh38 VCF-style: chr19-39507284-C-CT. GRCh37 (hg19) VCF-style: chr19-39997924-C-CT.
Other names: c.1339_1340insT, p.His447fs (NM_016941.4); short protein forms H447fs.
Identifiers: ClinVar variation 1705307 (VCV001705307.1), dbSNP rs2514649158, ClinGen allele CA2580097239.